The following is an entry in ClinVar:

NM_004064.5(CDKN1B):c.335G>C (p.Ser112Thr)

Gene: CDKN1B (cyclin dependent kinase inhibitor 1B; plus strand). Cytogenetic location: 12p13.1.
Variant type: single nucleotide variant.
Coding change: c.335G>C on transcript NM_004064.5 (MANE Select); coding-DNA position 335, G replaced by C.
Protein change: p.Ser112Thr; replaces serine 112 with threonine.
Molecular consequence: missense variant.
Genome position (GRCh38, 1-based): chr12:12,718,174, G>C. VCF-style: chr12-12718174-G-C. GRCh37 (hg19) VCF-style: chr12-12871108-G-C.
Other names: short protein forms S112T.
Identifiers: ClinVar variation 2958933 (VCV002958933.3), dbSNP rs1391369844, ClinGen allele CA383970273.

ClinVar aggregate classification (germline): Uncertain significance (1 of 4 stars; one submission).

Conditions:
Multiple endocrine neoplasia type 4. Also called: MULTIPLE ENDOCRINE NEOPLASIA, TYPE IV. Identifiers: Orphanet 276152, MedGen C1970712, MONDO:0012552, OMIM 610755.

Submission:

Labcorp Genetics (formerly Invitae), Labcorp
Classification: Uncertain significance for Multiple endocrine neoplasia type 4. Last evaluated: 2023-05-15. Review status: criteria provided, single submitter. Criteria: Invitae Variant Classification Sherloc (09022015). Collection method: clinical testing. Allele origin: germline.
Comment: Algorithms developed to predict the effect of missense changes on protein structure and function output the following: SIFT: "Not Available"; PolyPhen-2: "Benign"; Align-GVGD: "Not Available". The threonine amino acid residue is found in multiple mammalian species, which suggests that this missense change does not adversely affect protein function. In summary, the available evidence is currently insufficient to determine the role of this variant in disease. Therefore, it has been classified as a Variant of Uncertain Significance. This variant has not been reported in the literature in individuals affected with CDKN1B-related conditions. This sequence change replaces serine, which is neutral and polar, with threonine, which is neutral and polar, at codon 112 of the CDKN1B protein (p.Ser112Thr). This variant is not present in population databases (gnomAD no frequency).